The following is an entry in ClinVar:

ClinVar aggregate classification (germline): Pathogenic/Likely pathogenic. Review status: criteria provided, multiple submitters, no conflicts (2 of 4 stars). 3 submissions from 3 submitters: Pathogenic (2); Likely pathogenic (1). Last evaluated 2025-07-28.

Conditions:
ALG1-congenital disorder of glycosylation. Also called: CDG Ik; CONGENITAL DISORDER OF GLYCOSYLATION, TYPE Ik; ALG1-CDG. Identifiers: Orphanet 79327, MedGen C2931005, MONDO:0012052, OMIM 608540.

Allele frequency attached by ClinVar (database versions not stated): gnomAD exomes 0.00001; TOPMed 0.00001.

Submissions (3):

Women's Health and Genetics/Laboratory Corporation of America, LabCorp
Classification: Pathogenic for ALG1-congenital disorder of glycosylation. Last evaluated: 2025-07-28. Review status: criteria provided, single submitter. Criteria: LabCorp Variant Classification Summary - May 2015. Collection method: clinical testing. Allele origin: germline.
Comment: Variant summary: ALG1 c.598C>T (p.Arg200X) results in a premature termination codon, predicted to cause a truncation of the encoded protein or absence of the protein due to nonsense mediated decay, which are commonly known mechanisms for disease. The variant allele was found at a frequency of 1.2e-05 in 251488 control chromosomes. To our knowledge, no occurrence of c.598C>T in individuals affected with ALG1-congenital disorder of glycosylation and no experimental evidence demonstrating its impact on protein function have been reported. ClinVar contains an entry for this variant (Variation ID: 1454830). Based on the evidence outlined above, the variant was classified as pathogenic.

Labcorp Genetics (formerly Invitae), Labcorp
Classification: Pathogenic for ALG1-congenital disorder of glycosylation. Last evaluated: 2024-11-18. Review status: criteria provided, single submitter. Criteria: Invitae Variant Classification Sherloc (09022015). Collection method: clinical testing. Allele origin: germline.
Comment: This sequence change creates a premature translational stop signal (p.Arg200*) in the ALG1 gene. It is expected to result in an absent or disrupted protein product. Loss-of-function variants in ALG1 are known to be pathogenic (PMID: 20679665, 23806237). This variant is present in population databases (no rsID available, gnomAD 0.003%). This variant has not been reported in the literature in individuals affected with ALG1-related conditions. ClinVar contains an entry for this variant (Variation ID: 1454830). For these reasons, this variant has been classified as Pathogenic.

Fulgent Genetics
Classification: Likely pathogenic for ALG1-congenital disorder of glycosylation. Last evaluated: 2022-02-02. Review status: criteria provided, single submitter. Criteria: ACMG Guidelines, 2015. Collection method: clinical testing. Allele origin: unknown.

Literature cited by the submitters: PubMed 20679665 (cited by Labcorp Genetics (formerly Invitae), Labcorp); PubMed 23806237 (cited by Labcorp Genetics (formerly Invitae), Labcorp).

NM_019109.5(ALG1):c.598C>T (p.Arg200Ter)

Gene: ALG1 (ALG1 chitobiosyldiphosphodolichol beta-mannosyltransferase; plus strand). Cytogenetic location: 16p13.3.
Variant type: single nucleotide variant.
Coding change: c.598C>T on transcript NM_019109.5 (MANE Select); coding-DNA position 598, C replaced by T.
Protein change: p.Arg200Ter; replaces arginine 200 with a stop codon.
Molecular consequence: nonsense.
Genome position (GRCh38, 1-based): chr16:5,077,503, C>T. VCF-style: chr16-5077503-C-T. GRCh37 (hg19) VCF-style: chr16-5127504-C-T.
Other names: c.598C>T (NM_019109.4); c.265C>T, p.Arg89Ter (NM_001330504.2); short protein forms R89*, R200*.
Identifiers: ClinVar variation 1454830 (VCV001454830.8), dbSNP rs1474783444, ClinGen allele CA394681347.